The following is an entry in ClinVar:

ClinVar aggregate classification (germline): Benign/Likely benign. Review status: criteria provided, multiple submitters, no conflicts (2 of 4 stars). 4 submissions from 4 submitters: Benign (1); Likely benign (3). Last evaluated 2026-01-27.

Allele frequency attached by ClinVar (database versions not stated): gnomAD exomes 0.00242; ExAC 0.00303; gnomAD 0.00947 and 0.01021; TOPMed 0.01049; ESP Exome Variant Server 0.01116; 1000 Genomes Project 0.01118; 1000 Genomes Project 30x 0.01234.
gnomAD v4.1: 2,845 of 1,614,162 alleles (0.18%); highest among the groups gnomAD compares: African/African-American, 3.4%; 47 homozygotes.

Submissions (4):

Labcorp Genetics (formerly Invitae), Labcorp
Classification: Benign. Last evaluated: 2026-01-27. Review status: criteria provided, single submitter. Criteria: Invitae Variant Classification Sherloc (09022015). Collection method: clinical testing. Allele origin: germline.

GeneDx
Classification: Likely benign. Last evaluated: 2025-06-02. Review status: criteria provided, single submitter. Criteria: GeneDx Variant Classification Process June 2021. Collection method: clinical testing. Allele origin: germline. Affected: yes.
Comment: See Variant Classification Assertion Criteria.

Center for Pediatric Genomic Medicine, Children's Mercy Hospital and Clinics
Classification: Likely benign. Last evaluated: 2017-01-05. Review status: criteria provided, single submitter. Criteria: ACMG Guidelines, 2015. Collection method: clinical testing. Allele origin: germline.
ClinVar note: Converted during submission from Likely Benign to Likely benign.

Breakthrough Genomics
Classification: Likely benign. Review status: criteria provided, single submitter. Criteria: ACMG Guidelines, 2015. Collection method: not provided. Allele origin: germline. Inheritance: Autosomal dominant inheritance. Affected: yes.

NM_001312909.2(FAM111A):c.310T>A (p.Leu104Ile)

Gene: FAM111A (FAM111 trypsin like peptidase A; plus strand). Cytogenetic location: 11q12.1.
Variant type: single nucleotide variant.
Coding change: c.310T>A on transcript NM_001312909.2 (MANE Select); coding-DNA position 310, T replaced by A.
Protein change: p.Leu104Ile; replaces leucine 104 with isoleucine.
Molecular consequence: missense variant.
Genome position (GRCh38, 1-based): chr11:59,151,978, T>A. VCF-style: chr11-59151978-T-A. GRCh37 (hg19) VCF-style: chr11-58919451-T-A.
Other names: c.310T>A, p.Leu104Ile (NM_001142519.3, NM_001142520.3, NM_001142521.3 and 29 more transcripts); short protein forms L104I.
Identifiers: ClinVar variation 376886 (VCV000376886.14), dbSNP rs74658848, ClinGen allele CA6016550.